The following is an entry in ClinVar:

NM_017780.4(CHD7):c.8730_8731del (p.Pro2911fs)

Gene: CHD7 (chromodomain helicase DNA binding protein 7; plus strand). Cytogenetic location: 8q12.2.
Variant type: Deletion.
Coding change: c.8730_8731del on transcript NM_017780.4 (MANE Select); coding-DNA positions 8730 to 8731, 2 bases deleted (TC; older notation c.8730_8731delTC).
Protein change: p.Pro2911fs; shifts the reading frame from proline 2911.
Molecular consequence: frameshift variant.
Genome position (GRCh38, 1-based): chr8:60,865,669-60,865,670, TC deleted; deleting any 2 consecutive bases within chr8:60,865,668-60,865,670 gives the same sequence; the c. name uses the placement nearest the transcript's 3' end. VCF-style (leftmost placement, unchanged base first): chr8-60865667-CCT-C. GRCh37 (hg19) VCF-style: chr8-61778226-CCT-C.
Other names: c.8730_8731del (LRG_176t1); c.2583_2584del, p.Pro862fs (NM_001316690.1); short protein forms P2911fs, P862fs.
Identifiers: ClinVar variation 267441 (VCV000267441.2), dbSNP rs886041000, ClinGen allele CA10602506.

ClinVar aggregate classification (germline): Pathogenic (1 of 4 stars; one submission).

Conditions:
CHARGE syndrome (CHARGE). Also called: Hittner Hirsch Kreh syndrome; Coloboma, heart anomaly, choanal atresia, retardation, genital and ear anomalies; CHARGE association; Hall-Hittner syndrome; CHARGE ASSOCIATION--COLOBOMA, HEART ANOMALY, CHOANAL ATRESIA, RETARDATION, GENITAL AND EAR ANOMALIES. Identifiers: Orphanet 138, MedGen C0265354, MONDO:0008965.

Submission:

Genomic Diagnostic Laboratory, Division of Genomic Diagnostics, Children's Hospital of Philadelphia
Classification: Pathogenic for CHARGE syndrome. Last evaluated: 2016-09-05. Review status: criteria provided, single submitter. Criteria: DGD Variant Analysis Guidelines. Collection method: clinical testing. Allele origin: germline. Affected: yes. Observed: 1 variant allele.
Comment: Clinical Testing